The following is an entry in ClinVar:

ClinVar aggregate classification (germline): Pathogenic (1 of 4 stars; one submission).

gnomAD v4.1: 1 of 1,613,740 alleles (0.000062%); highest among the groups gnomAD compares: Non-Finnish European, 0.000085%; no homozygotes.

Submission:

Labcorp Genetics (formerly Invitae), Labcorp
Classification: Pathogenic. Last evaluated: 2024-05-31. Review status: criteria provided, single submitter. Criteria: Invitae Variant Classification Sherloc (09022015). Collection method: clinical testing. Allele origin: germline.
Comment: This sequence change creates a premature translational stop signal (p.Gln815*) in the ADAMTS17 gene. It is expected to result in an absent or disrupted protein product. Loss-of-function variants in ADAMTS17 are known to be pathogenic (PMID: 19836009, 24940034). This variant is not present in population databases (gnomAD no frequency). This variant has not been reported in the literature in individuals affected with ADAMTS17-related conditions. For these reasons, this variant has been classified as Pathogenic.

Literature cited by the submitters: PubMed 19836009; PubMed 24940034.

NM_139057.4(ADAMTS17):c.2443C>T (p.Gln815Ter)

Gene: ADAMTS17 (ADAM metallopeptidase with thrombospondin type 1 motif 17; minus strand). Cytogenetic location: 15q26.3.
Variant type: single nucleotide variant.
Coding change: c.2443C>T on transcript NM_139057.4 (MANE Select); coding-DNA position 2443, C replaced by T.
Protein change: p.Gln815Ter; replaces glutamine 815 with a stop codon.
Molecular consequence: nonsense.
Genome position (GRCh38, 1-based): chr15:100,051,584, G>A on the plus strand (C>T on the coding strand, the complement: ADAMTS17 is on the minus strand). VCF-style: chr15-100051584-G-A. GRCh37 (hg19) VCF-style: chr15-100591789-G-A.
Other names: short protein forms Q815*.
Identifiers: ClinVar variation 3655189 (VCV003655189.2).